The following is an entry in ClinVar:

NM_002519.3(NPAT):c.2897G>A (p.Arg966Gln)

Gene: NPAT (nuclear protein, coactivator of histone transcription; minus strand). Cytogenetic location: 11q22.3.
Variant type: single nucleotide variant.
Coding change: c.2897G>A on transcript NM_002519.3 (MANE Select); coding-DNA position 2897, G replaced by A.
Protein change: p.Arg966Gln; replaces arginine 966 with glutamine.
Molecular consequence: missense variant.
Genome position (GRCh38, 1-based): chr11:108,169,932, C>T on the plus strand (G>A on the coding strand, the complement: NPAT is on the minus strand). VCF-style: chr11-108169932-C-T. GRCh37 (hg19) VCF-style: chr11-108040659-C-T.
Other names: c.2897G>A, p.Arg966Gln (NM_001321307.1); short protein forms R966Q.
Identifiers: ClinVar variation 1797365 (VCV001797365.6), dbSNP rs201165741, ClinGen allele CA6263710.

ClinVar aggregate classification (germline): Conflicting classifications of pathogenicity. Review status: criteria provided, conflicting classifications (1 of 4 stars). 2 submissions from 2 submitters: Uncertain significance (1); Likely benign (1). Last evaluated 2024-09-02.

Allele frequency attached by ClinVar (database versions not stated): gnomAD 0.00011; 1000 Genomes Project 0.00020; ESP Exome Variant Server 0.00025; 1000 Genomes Project 30x 0.00031.
gnomAD v4.1: 112 of 1,612,672 alleles (0.0069%); highest among the groups gnomAD compares: African/African-American, 0.047%; no homozygotes.

Submissions (2):

Ambry Genetics
Classification: Likely benign. Last evaluated: 2024-09-02. Review status: criteria provided, single submitter. Criteria: Ambry Variant Classification Scheme 2023. Collection method: clinical testing. Allele origin: germline.

Labcorp Genetics (formerly Invitae), Labcorp
Classification: Uncertain significance. Last evaluated: 2024-07-03. Review status: criteria provided, single submitter. Criteria: Invitae Variant Classification Sherloc (09022015). Collection method: clinical testing. Allele origin: germline.
Comment: This sequence change replaces arginine, which is basic and polar, with glutamine, which is neutral and polar, at codon 966 of the NPAT protein (p.Arg966Gln). This variant is present in population databases (rs201165741, gnomAD 0.05%). This variant has not been reported in the literature in individuals affected with NPAT-related conditions. ClinVar contains an entry for this variant (Variation ID: 1797365). Algorithms developed to predict the effect of missense changes on protein structure and function output the following: SIFT: "Not Available"; PolyPhen-2: "Benign"; Align-GVGD: "Not Available". The glutamine amino acid residue is found in multiple mammalian species, which suggests that this missense change does not adversely affect protein function. In summary, the available evidence is currently insufficient to determine the role of this variant in disease. Therefore, it has been classified as a Variant of Uncertain Significance.